The following is an entry in ClinVar:

ClinVar aggregate classification (germline): Benign/Likely benign. Review status: criteria provided, multiple submitters, no conflicts (2 of 4 stars). 3 submissions from 3 submitters: Benign (1); Likely benign (2). Last evaluated 2026-01-15.

Conditions:
MAPT-Related Spectrum Disorders.
Frontotemporal dementia (FTD1). Also called: Frontotemporal lobe dementia (FLDEM); Dementia, frontotemporal, with or without parkinsonism; FRONTOTEMPORAL DEMENTIA WITH PARKINSONISM; FRONTOTEMPORAL LOBE DEMENTIA; Frontotemporal Dementia with Parkinsonism-17 (FTDP-17); MULTIPLE SYSTEM TAUOPATHY WITH PRESENILE DEMENTIA. Identifiers: Orphanet 282, MedGen C0338451, MONDO:0017276, OMIM 600274, HP:0002145.

Allele frequency attached by ClinVar (database versions not stated): gnomAD 0.00004 and 0.00008; TOPMed 0.00012; ExAC 0.00019; 1000 Genomes Project 30x 0.00031; 1000 Genomes Project 0.00040.
gnomAD v4.1: 197 of 1,614,190 alleles (0.012%); highest among the groups gnomAD compares: East Asian, 0.28%; no homozygotes.

Submissions (3):

Labcorp Genetics (formerly Invitae), Labcorp
Classification: Likely benign for Frontotemporal dementia. Last evaluated: 2026-01-15. Review status: criteria provided, single submitter. Criteria: Invitae Variant Classification Sherloc (09022015). Collection method: clinical testing. Allele origin: germline.

Blueprint Genetics
Classification: Likely benign. Last evaluated: 2023-11-06. Review status: criteria provided, single submitter. Criteria: ACMG Guidelines, 2015. Collection method: clinical testing. Allele origin: germline.

Illumina Laboratory Services, Illumina
Classification: Benign for MAPT-Related Spectrum Disorders. Last evaluated: 2018-01-13. Review status: criteria provided, single submitter. Criteria: ICSL Variant Classification Criteria 13 December 2019. Collection method: clinical testing. Allele origin: germline.
Comment: This variant was observed in the ICSL laboratory as part of a predisposition screen in an ostensibly healthy population. It had not been previously curated by ICSL or reported in the Human Gene Mutation Database (HGMD: prior to June 1st, 2018), and was therefore a candidate for classification through an automated scoring system. Utilizing variant allele frequency, disease prevalence and penetrance estimates, and inheritance mode, an automated score was calculated to assess if this variant is too frequent to cause the disease. Based on the score and internal cut-off values, a variant classified as benign is not then subjected to further curation. The score for this variant resulted in a classification of benign for this disease.

NM_001377265.1(MAPT):c.1638G>A (p.Pro546=)

Gene: MAPT (microtubule associated protein tau). Cytogenetic location: 17q21.31.
Variant type: single nucleotide variant.
Coding change: c.1638G>A on transcript NM_001377265.1 (MANE Select); coding-DNA position 1638, G replaced by A.
Protein change: p.Pro546=; no amino-acid change (proline 546 retained).
Molecular consequence: synonymous variant. On other transcripts: non-coding transcript variant (1).
Genome position (GRCh38, 1-based): chr17:45,991,492, G>A. VCF-style: chr17-45991492-G-A. GRCh37 (hg19) VCF-style: chr17-44068858-G-A.
Other names: c.1413G>A, p.Pro471= (NM_001123066.4, NM_016835.5); c.375G>A, p.Pro125= (NM_001123067.4, NM_001203251.2, NM_001377267.1); c.462G>A, p.Pro154= (NM_001203252.2, NM_005910.6); c.1440G>A, p.Pro480= (NM_001377266.1); c.288G>A, p.Pro96= (NM_001377268.1, NM_016834.5, NM_016841.5).
Identifiers: ClinVar variation 323646 (VCV000323646.17), dbSNP rs201046056, ClinGen allele CA8617965.
Genomic context (GRCh38, chr17:45,991,492, plus strand): 5'-AAACCCCTCTATCATGTTTCATTTACAGGGGGCTGATGGTAAAACGAAGATCGCCACACC[G>A]CGGGGAGCAGCCCCTCCAGGCCAGAAGGGCCAGGCCAACGCCACCAGGATTCCAGCAAAA-3'
Protein context (NP_001364194.1, residues 536-556): GADGKTKIAT[Pro546=]RGAAPPGQKG